The following is an entry in ClinVar:

NM_006268.5(DPF2):c.709G>C (p.Glu237Gln)

Gene: DPF2 (double PHD fingers 2; plus strand). Cytogenetic location: 11q13.1.
Variant type: single nucleotide variant.
Coding change: c.709G>C on transcript NM_006268.5 (MANE Select); coding-DNA position 709, G replaced by C.
Protein change: p.Glu237Gln; replaces glutamic acid 237 with glutamine.
Molecular consequence: missense variant.
Genome position (GRCh38, 1-based): chr11:65,345,737, G>C. VCF-style: chr11-65345737-G-C. GRCh37 (hg19) VCF-style: chr11-65113208-G-C.
Other names: c.751G>C, p.Glu251Gln (NM_001330308.2); short protein forms E237Q, E251Q.
Identifiers: ClinVar variation 4822283 (VCV004822283.4).
Genomic context (GRCh38, chr11:65,345,737, plus strand): 5'-CGTTACAAGAACCGACCAGGCCTCAGTTACCACTATGCCCACTCCCACTTGGCTGAGGAG[G>C]AGGGCGAGGACAAGGAAGACTCTCAACCACCCACTCCTGTTTCCCAGAGGTCTGAGGAGC-3'
Protein context (NP_006259.1, residues 227-247): HYAHSHLAEE[Glu237Gln]GEDKEDSQPP

ClinVar aggregate classification (germline): Uncertain significance (1 of 4 stars; one submission).

gnomAD v4.1: 2 of 1,614,034 alleles (0.00012%); highest among the groups gnomAD compares: Non-Finnish European, 0.000085%; no homozygotes.

Submission:

CeGaT Center for Human Genetics Tuebingen
Classification: Uncertain significance. Last evaluated: 2026-03-01. Review status: criteria provided, single submitter. Criteria: CeGaT Center For Human Genetics Tuebingen Variant Classification Criteria Version 2. Collection method: clinical testing. Allele origin: germline. Affected: yes. Observed: 1 variant allele.
Comment: DPF2: PP2